The following is an entry in ClinVar:

NM_001277115.2(DNAH11):c.1915C>T (p.Gln639Ter)

Gene: DNAH11 (dynein axonemal heavy chain 11; plus strand). Cytogenetic location: 7p15.3.
Variant type: single nucleotide variant.
Coding change: c.1915C>T on transcript NM_001277115.2 (MANE Select); coding-DNA position 1915, C replaced by T.
Protein change: p.Gln639Ter; replaces glutamine 639 with a stop codon.
Molecular consequence: nonsense.
Genome position (GRCh38, 1-based): chr7:21,588,578, C>T. VCF-style: chr7-21588578-C-T. GRCh37 (hg19) VCF-style: chr7-21628196-C-T.
Other names: NM_001277115.2(DNAH11):c.1915C>T; p.Gln639Ter; c.1915C>T, p.Gln639Ter (NM_003777.3); short protein forms Q639*.
Identifiers: ClinVar variation 2168794 (VCV002168794.4), dbSNP rs200073714, ClinGen allele CA4179154.
Genomic context (GRCh38, chr7:21,588,578, plus strand): 5'-TGTGGTCATGTAGTTCTTAACAAGAACATGCCATTTACCTCAGGAAATATGAAATGGGCC[C>T]AGCAGGTTCTCCAACGACTTCAAATGTTTTGGTCAAACTTCGCATCTCTCCGTTATCTGT-3'

ClinVar aggregate classification (germline): Conflicting classifications of pathogenicity. Review status: criteria provided, conflicting classifications (1 of 4 stars). 4 submissions from 4 submitters: Pathogenic (1); Likely pathogenic (2); Uncertain significance (1). Last evaluated 2025-02-11.

Conditions:
Primary ciliary dyskinesia. Also called: Ciliary dyskinesia. Identifiers: Orphanet 244, MedGen C0008780, MONDO:0016575, HP:0012265.
Primary ciliary dyskinesia 7. Also called: CILIARY DYSKINESIA, PRIMARY, 7, WITH OR WITHOUT SITUS INVERSUS. Identifiers: Orphanet 244, MedGen C2678473, MONDO:0012748, OMIM 611884.

Allele frequency attached by ClinVar (database versions not stated): gnomAD exomes 0.00011; ExAC 0.00012; TOPMed 0.00014.
gnomAD v4.1: 190 of 1,613,524 alleles (0.012%); highest among the groups gnomAD compares: Middle Eastern, 0.016%; no homozygotes.

Submissions (4):

Broad Center for Mendelian Genomics, Broad Institute of MIT and Harvard
Classification: Uncertain significance for Primary ciliary dyskinesia 7. Last evaluated: 2025-02-11. Review status: criteria provided, single submitter. Criteria: ACMG Guidelines, 2015. Collection method: curation. Allele origin: germline. Inheritance: Autosomal recessive inheritance.
Comment: The p.Gln639Ter variant in DNAH11 has not been previously reported in the literature in individuals with primary ciliary dyskinesia, but has been identified in 0.2% (58/29602) of Ashkenazi Jewish chromosomes by the Genome Aggregation Database (gnomAD; dbSNP rs200073714). Although this variant has been seen in the general population in a heterozygous state, its frequency is not high enough to rule out a pathogenic role. This variant has been reported in ClinVar (Variation ID: 2168794) and has been interpreted as likely pathogenic by Labcorp Genetics. This nonsense variant leads to a premature termination codon at position 639 which is predicted to lead to a truncated or absent protein. Loss of function of the DNAH11 gene is an established disease mechanism in autosomal recessive primary ciliary dyskinesia. Please note that many additional individuals in gnomAD have this change in phase with an additional nucleotide change, resulting in a multinucleotide variant p.Gln639Trp. In summary, the clinical significance of the p.Gln639Ter variant is uncertain. ACMG/AMP Criteria applied: none (Richards 2015).

Fulgent Genetics
Classification: Likely pathogenic for Primary ciliary dyskinesia 7. Last evaluated: 2024-04-10. Review status: criteria provided, single submitter. Criteria: ACMG Guidelines, 2015. Collection method: clinical testing. Allele origin: germline.

Department of Pathology and Laboratory Medicine, Sinai Health System
Classification: Likely pathogenic for Primary ciliary dyskinesia 7. Last evaluated: 2023-02-01. Review status: criteria provided, single submitter. Criteria: ACMG Guidelines, 2015. Collection method: research. Allele origin: germline.

Labcorp Genetics (formerly Invitae), Labcorp
Classification: Pathogenic for Primary ciliary dyskinesia. Last evaluated: 2022-06-08. Review status: criteria provided, single submitter. Criteria: Invitae Variant Classification Sherloc (09022015). Collection method: clinical testing. Allele origin: germline.
Comment: This sequence change creates a premature translational stop signal (p.Gln639*) in the DNAH11 gene. It is expected to result in an absent or disrupted protein product. Loss-of-function variants in DNAH11 are known to be pathogenic (PMID: 18022865, 20513915, 22184204). This variant is present in population databases (rs200073714, gnomAD 0.2%). This premature translational stop signal has been observed in individual(s) with clinical features of primary ciliary dyskinesia (PMID: 33715250). For these reasons, this variant has been classified as Pathogenic.

Literature cited by the submitters: PubMed 18022865 (cited by Labcorp Genetics (formerly Invitae), Labcorp); PubMed 20513915 (cited by Labcorp Genetics (formerly Invitae), Labcorp); PubMed 22184204 (cited by Labcorp Genetics (formerly Invitae), Labcorp); PubMed 33715250 (cited by Labcorp Genetics (formerly Invitae), Labcorp).